The following is an entry in ClinVar:

NM_001035.3(RYR2):c.9526G>T (p.Asp3176Tyr)

Gene: RYR2 (ryanodine receptor 2; plus strand). Cytogenetic location: 1q43.
Variant type: single nucleotide variant.
Coding change: c.9526G>T on transcript NM_001035.3 (MANE Select); coding-DNA position 9526, G replaced by T.
Protein change: p.Asp3176Tyr; replaces aspartic acid 3176 with tyrosine.
Molecular consequence: missense variant.
Genome position (GRCh38, 1-based): chr1:237,705,289, G>T. VCF-style: chr1-237705289-G-T. GRCh37 (hg19) VCF-style: chr1-237868589-G-T.
Other names: short protein forms D3176Y.
Identifiers: ClinVar variation 923128 (VCV000923128.8), dbSNP rs761272070, ClinGen allele CA087912.

ClinVar aggregate classification (germline): Uncertain significance. Review status: criteria provided, multiple submitters, no conflicts (2 of 4 stars). 3 submissions from 3 submitters: Uncertain significance (3). Last evaluated 2025-06-18.

Conditions:
Catecholaminergic polymorphic ventricular tachycardia (CVPT). Also called: Catecholamine-induced polymorphic ventricular tachycardia. Identifiers: Orphanet 3286, MedGen C5574922, MONDO:0017990.
Cardiomyopathy (CMYO). Also called: Cardiomyopathies. Identifiers: Orphanet 167848, MedGen C0878544, MONDO:0004994, HP:0001638. Inheritance: Various modes of inheritance.
Catecholaminergic polymorphic ventricular tachycardia 1. Also called: VENTRICULAR TACHYCARDIA, CATECHOLAMINERGIC POLYMORPHIC, 1, WITH OR WITHOUT ATRIAL DYSFUNCTION AND/OR DILATED CARDIOMYOPATHY; RYR2-Related Catecholaminergic Polymorphic Ventricular Tachycardia; VENTRICULAR TACHYCARDIA, STRESS-INDUCED POLYMORPHIC 1. Identifiers: Orphanet 3286, MedGen C1631597, MONDO:0011484, OMIM 604772.

Allele frequency attached by ClinVar (database versions not stated): gnomAD exomes below 0.00001; ExAC 0.00001.
gnomAD v4.1: 1 of 1,604,620 alleles (0.000062%); highest among the groups gnomAD compares: Non-Finnish European, 0.000085%; no homozygotes.

Submissions (3):

Labcorp Genetics (formerly Invitae), Labcorp
Classification: Uncertain significance for Catecholaminergic polymorphic ventricular tachycardia 1. Last evaluated: 2025-06-18. Review status: criteria provided, single submitter. Criteria: Invitae Variant Classification Sherloc (09022015). Collection method: clinical testing. Allele origin: germline.
Comment: This sequence change replaces aspartic acid, which is acidic and polar, with tyrosine, which is neutral and polar, at codon 3176 of the RYR2 protein (p.Asp3176Tyr). This variant is present in population databases (rs761272070, gnomAD 0.001%). This variant has not been reported in the literature in individuals affected with RYR2-related conditions. ClinVar contains an entry for this variant (Variation ID: 923128). Invitae Evidence Modeling of protein sequence and biophysical properties (such as structural, functional, and spatial information, amino acid conservation, physicochemical variation, residue mobility, and thermodynamic stability) indicates that this missense variant is not expected to disrupt RYR2 protein function with a negative predictive value of 95%. In summary, the available evidence is currently insufficient to determine the role of this variant in disease. Therefore, it has been classified as a Variant of Uncertain Significance.

All of Us Research Program, National Institutes of Health
Classification: Uncertain significance for Catecholaminergic polymorphic ventricular tachycardia. Last evaluated: 2023-09-17. Review status: criteria provided, single submitter. Criteria: ACMG Guidelines, 2015. Collection method: clinical testing. Allele origin: germline. Inheritance: Autosomal dominant inheritance. Observed: 1 variant allele, 1 heterozygote.
Comment: Variant of Uncertain Significance due to insufficient evidence: This missense variant replaces aspartic acid with tyrosine at codon 3176 of the RYR2 protein. Computational prediction tools and conservation analyses are inconclusive regarding the impact of this variant on the protein function. Computational splicing tools suggest that this variant may not impact RNA splicing. To our knowledge, functional assays have not been performed for this variant nor has this variant been reported in individuals affected with cardiovascular disorders in the literature. This variant has been identified in 1/233456 chromosomes in the general population by the Genome Aggregation Database (gnomAD). Available evidence is insufficient to determine the role of this variant in disease conclusively.

This study involves interpretation of variants in research participants for the purpose of population health screening. Participant phenotype was not available at the time of variant classification. Additional details can be found in publication PMID: 35346344, PMCID: PMC8962531

Color Diagnostics, LLC DBA Color Health
Classification: Uncertain significance for Cardiomyopathy. Last evaluated: 2023-08-31. Review status: criteria provided, single submitter. Criteria: ACMG Guidelines, 2015. Collection method: clinical testing. Allele origin: germline.
Comment: This missense variant replaces aspartic acid with tyrosine at codon 3176 of the RYR2 protein. Computational prediction suggests that this variant may not impact protein structure and function (internally defined REVEL score threshold <= 0.5, PMID: 27666373). To our knowledge, functional studies have not been reported for this variant. This variant has not been reported in individuals affected with RYR2-related disorders in the literature. This variant has been identified in 1/233456 chromosomes in the general population by the Genome Aggregation Database (gnomAD). The available evidence is insufficient to determine the role of this variant in disease conclusively. Therefore, this variant is classified as a Variant of Uncertain Significance.